The following is an entry in ClinVar:

NM_182961.4(SYNE1):c.23374C>T (p.Leu7792Phe)

Gene: SYNE1 (spectrin repeat containing nuclear envelope protein 1; minus strand). Cytogenetic location: 6q25.2.
Variant type: single nucleotide variant.
Coding change: c.23374C>T on transcript NM_182961.4 (MANE Select); coding-DNA position 23374, C replaced by T.
Protein change: p.Leu7792Phe; replaces leucine 7792 with phenylalanine.
Molecular consequence: missense variant. On other transcripts: 5 prime UTR variant (1).
Genome position (GRCh38, 1-based): chr6:152,180,222, G>A on the plus strand (C>T on the coding strand, the complement: SYNE1 is on the minus strand). VCF-style: chr6-152180222-G-A. GRCh37 (hg19) VCF-style: chr6-152501357-G-A.
Other names: c.-21C>T (NM_001347701.2); c.23161C>T, p.Leu7721Phe (NM_033071.5); short protein forms L7721F, L7792F.
Identifiers: ClinVar variation 2166992 (VCV002166992.1), dbSNP rs376844951, ClinGen allele CA150193912.
Genomic context (GRCh38, chr6:152,180,222, plus strand): 5'-CAATGAGAATGTCTCCATTCTGAGAAACTTTGCTTTCCATTTGAGTCAACCACTCACAGA[G>A]TTCCTTGTTCTTTTCACTGAAGACTGCCCATTCATTCAATCTTTCACCTATTTGCTGCCG-3'
Protein context (NP_892006.3, residues 7782-7802): WAVFSEKNKE[Leu7792Phe]CEWLTQMESK

ClinVar aggregate classification (germline): Uncertain significance (1 of 4 stars; one submission).

Conditions:
Autosomal recessive ataxia, Beauce type. Also called: SYNE1-Related Autosomal Recessive Cerebellar Ataxia; Spinocerebellar ataxia, autosomal recessive 8; ATAXIA, RECESSIVE, OF BEAUCE; SYNE1 Deficiency. Identifiers: Orphanet 88644, MedGen C1853116, MONDO:0012549, OMIM 610743.
Emery-Dreifuss muscular dystrophy 4, autosomal dominant (EDMD4). Also called: EMERY-DREIFUSS MUSCULAR DYSTROPHY 4 WITH VARIABLE FEATURES. Identifiers: Orphanet 261, MedGen C2751807, MONDO:0013071, OMIM 612998.

gnomAD v4.1: 1 of 1,614,050 alleles (0.000062%); highest among the groups gnomAD compares: South Asian, 0.0011%; no homozygotes.

Submission:

Labcorp Genetics (formerly Invitae), Labcorp
Classification: Uncertain significance for Emery-Dreifuss muscular dystrophy 4, autosomal dominant; Autosomal recessive ataxia, Beauce type. Last evaluated: 2022-06-04. Review status: criteria provided, single submitter. Criteria: Invitae Variant Classification Sherloc (09022015). Collection method: clinical testing. Allele origin: germline.
Comment: This sequence change replaces leucine, which is neutral and non-polar, with phenylalanine, which is neutral and non-polar, at codon 7721 of the SYNE1 protein (p.Leu7721Phe). This variant is not present in population databases (gnomAD no frequency). This variant has not been reported in the literature in individuals affected with SYNE1-related conditions. Algorithms developed to predict the effect of missense changes on protein structure and function are either unavailable or do not agree on the potential impact of this missense change (SIFT: "Deleterious"; PolyPhen-2: "Probably Damaging"; Align-GVGD: "Class C15"). In summary, the available evidence is currently insufficient to determine the role of this variant in disease. Therefore, it has been classified as a Variant of Uncertain Significance.